The following is an entry in ClinVar:

NM_000388.4(CASR):c.1116C>G (p.Thr372=)

Gene: CASR (calcium sensing receptor; plus strand). Cytogenetic location: 3q21.1.
Variant type: single nucleotide variant.
Coding change: c.1116C>G on transcript NM_000388.4 (MANE Select); coding-DNA position 1116, C replaced by G.
Protein change: p.Thr372=; no amino-acid change (threonine 372 retained).
Molecular consequence: synonymous variant.
Genome position (GRCh38, 1-based): chr3:122,262,151, C>G. VCF-style: chr3-122262151-C-G. GRCh37 (hg19) VCF-style: chr3-121980998-C-G.
Other names: c.1116C>G, p.Thr372= (NM_001178065.2).
Identifiers: ClinVar variation 1796285 (VCV001796285.11), dbSNP rs539867627, ClinGen allele CA2569597.
Genomic context (GRCh38, chr3:122,262,151, plus strand): 5'-GGAAGAAACATTTAACTGCCACCTCCAAGAAGGTGCAAAAGGACCTTTACCTGTGGACAC[C>G]TTTCTGAGAGGTCACGAAGAAAGTGGCGACAGGTTTAGCAACAGCTCGACAGCCTTCCGA-3'
Protein context (NP_000379.3, residues 362-382): EGAKGPLPVD[Thr372=]FLRGHEESGD

ClinVar aggregate classification (germline): Likely benign. Review status: criteria provided, multiple submitters, no conflicts (2 of 4 stars). 3 submissions from 3 submitters: Likely benign (3). Last evaluated 2025-10-01.

Conditions:
Autosomal dominant hypocalcemia 1 (HYPOC1). Also called: HYPOCALCEMIA, FAMILIAL. Identifiers: MedGen C3715128, MONDO:0011013, OMIM 601198.
Familial hypocalciuric hypercalcemia (FHH). Also called: Familial benign hypercalcemia. Identifiers: Orphanet 405, MedGen C1809471, MONDO:0018458.
Nephrolithiasis/nephrocalcinosis. Identifiers: MedGen CN580796.

Allele frequency attached by ClinVar (database versions not stated): gnomAD 0.00001; 1000 Genomes Project 30x 0.00016; 1000 Genomes Project 0.00020.
gnomAD v4.1: 4 of 1,614,176 alleles (0.00025%); highest among the groups gnomAD compares: African/African-American, 0.0027%; no homozygotes.

Submissions (3):

CeGaT Center for Human Genetics Tuebingen
Classification: Likely benign. Last evaluated: 2025-10-01. Review status: criteria provided, single submitter. Criteria: CeGaT Center For Human Genetics Tuebingen Variant Classification Criteria Version 2. Collection method: clinical testing. Allele origin: germline. Affected: yes. Observed: 1 variant allele.
Comment: CASR: BP4, BP7

Labcorp Genetics (formerly Invitae), Labcorp
Classification: Likely benign for Familial hypocalciuric hypercalcemia; Autosomal dominant hypocalcemia 1. Last evaluated: 2023-05-27. Review status: criteria provided, single submitter. Criteria: Invitae Variant Classification Sherloc (09022015). Collection method: clinical testing. Allele origin: germline.

Ambry Genetics
Classification: Likely benign for Nephrolithiasis/nephrocalcinosis. Last evaluated: 2021-11-17. Review status: criteria provided, single submitter. Criteria: Ambry Variant Classification Scheme 2023. Collection method: clinical testing. Allele origin: germline.